The following is an entry in ClinVar:

NM_000642.3(AGL):c.1589C>G (p.Ser530Ter)

Gene: AGL (amylo-alpha-1,6-glucosidase and 4-alpha-glucanotransferase; plus strand). Cytogenetic location: 1p21.2.
Variant type: single nucleotide variant.
Coding change: c.1589C>G on transcript NM_000642.3 (MANE Select); coding-DNA position 1589, C replaced by G.
Protein change: p.Ser530Ter; replaces serine 530 with a stop codon.
Molecular consequence: nonsense.
Genome position (GRCh38, 1-based): chr1:99,877,806, C>G. VCF-style: chr1-99877806-C-G. GRCh37 (hg19) VCF-style: chr1-100343362-C-G.
Other names: c.1589C>G, p.Ser530Ter (NM_000028.3, NM_000643.3, NM_000644.3 and 2 more transcripts); c.1541C>G, p.Ser514Ter (NM_000646.3); c.1388C>G, p.Ser463Ter (NM_001425327.1); c.1385C>G, p.Ser462Ter (NM_001425328.1, NM_001425329.1); c.1211C>G, p.Ser404Ter (NM_001425332.1); short protein forms S530*, S514*, S404*, S462*, S463*.
Identifiers: ClinVar variation 554746 (VCV000554746.9), dbSNP rs1553185905, ClinGen allele CA341314848.

ClinVar aggregate classification (germline): Pathogenic. Review status: criteria provided, multiple submitters, no conflicts (2 of 4 stars). 4 submissions from 4 submitters: Pathogenic (3). 1 of the submissions does not count toward it. Last evaluated 2023-04-11.

Conditions:
Glycogen storage disease type III (GSD3). Also called: FORBES DISEASE; Cori disease. Identifiers: Orphanet 366, MedGen C0017922, MONDO:0009291, OMIM 232400.

Submissions (4):

Genome-Nilou Lab
Classification: Pathogenic for Glycogen storage disease type III. Last evaluated: 2023-04-11. Review status: criteria provided, single submitter. Criteria: ACMG Guidelines, 2015. Collection method: clinical testing. Allele origin: germline. Affected: no.

Baylor Genetics
Classification: Pathogenic for Glycogen storage disease type III. Last evaluated: 2022-10-18. Review status: criteria provided, single submitter. Criteria: ACMG Guidelines, 2015. Collection method: clinical testing. Allele origin: unknown.

Labcorp Genetics (formerly Invitae), Labcorp
Classification: Pathogenic for Glycogen storage disease type III. Last evaluated: 2022-04-07. Review status: criteria provided, single submitter. Criteria: Invitae Variant Classification Sherloc (09022015). Collection method: clinical testing. Allele origin: germline.
Comment: For these reasons, this variant has been classified as Pathogenic. ClinVar contains an entry for this variant (Variation ID: 554746). This premature translational stop signal has been observed in individual(s) with glycogen storage disease type III (PMID: 11977176, 26885414). This variant is not present in population databases (gnomAD no frequency). This sequence change creates a premature translational stop signal (p.Ser530*) in the AGL gene. It is expected to result in an absent or disrupted protein product. Loss-of-function variants in AGL are known to be pathogenic (PMID: 19299494).

Counsyl
Classification: Pathogenic for Glycogen storage disease type III. Last evaluated: 2017-11-02. Review status: no assertion criteria provided. Collection method: clinical testing. Allele origin: unknown. Not counted in ClinVar's aggregate classification.

Literature cited by the submitters: PubMed 11977176 (cited by Labcorp Genetics (formerly Invitae), Labcorp and Counsyl); PubMed 26885414 (cited by Labcorp Genetics (formerly Invitae), Labcorp and Counsyl); PubMed 19299494 (cited by Labcorp Genetics (formerly Invitae), Labcorp).